The following is an entry in ClinVar:

NM_001424.6(EMP2):c.207C>G (p.Ile69Met)

Gene: EMP2 (epithelial membrane protein 2; minus strand). Cytogenetic location: 16p13.13.
Variant type: single nucleotide variant.
Coding change: c.207C>G on transcript NM_001424.6 (MANE Select); coding-DNA position 207, C replaced by G.
Protein change: p.Ile69Met; replaces isoleucine 69 with methionine.
Molecular consequence: missense variant.
Genome position (GRCh38, 1-based): chr16:10,538,037, G>C on the plus strand (C>G on the coding strand, the complement: EMP2 is on the minus strand). VCF-style: chr16-10538037-G-C. GRCh37 (hg19) VCF-style: chr16-10631894-G-C.
Other names: short protein forms I69M.
Identifiers: ClinVar variation 450012 (VCV000450012.6), dbSNP rs1468756555, ClinGen allele CA394716581.
Genomic context (GRCh38, chr16:10,538,037, plus strand): 5'-CAGGCGGAAGAGCTGGAGCACGAAGATGAAGAAGGCGATGCAGCAGAGAATGGTGGAGAG[G>C]ATCATGGTGGCCTGGACCGCCTGCAGCGTGGAGTACTCTGCGGGAAAAGGGCAGGGGCGC-3'
Protein context (NP_001415.1, residues 59-79): STLQAVQATM[Ile69Met]LSTILCCIAF

ClinVar aggregate classification (germline): Uncertain significance. Review status: criteria provided, multiple submitters, no conflicts (2 of 4 stars). 3 submissions from 3 submitters: Uncertain significance (3). Last evaluated 2024-09-09.

Allele frequency attached by ClinVar (database versions not stated): gnomAD exomes 0.00001 and 0.00002; TOPMed 0.00001.

Submissions (3):

Ambry Genetics
Classification: Uncertain significance. Last evaluated: 2024-09-09. Review status: criteria provided, single submitter. Criteria: Ambry Variant Classification Scheme 2023. Collection method: clinical testing. Allele origin: germline.

Labcorp Genetics (formerly Invitae), Labcorp
Classification: Uncertain significance. Last evaluated: 2022-08-23. Review status: criteria provided, single submitter. Criteria: Invitae Variant Classification Sherloc (09022015). Collection method: clinical testing. Allele origin: germline.
Comment: This variant is present in population databases (no rsID available, gnomAD 0.02%). In summary, the available evidence is currently insufficient to determine the role of this variant in disease. Therefore, it has been classified as a Variant of Uncertain Significance. Algorithms developed to predict the effect of missense changes on protein structure and function are either unavailable or do not agree on the potential impact of this missense change (SIFT: "Deleterious"; PolyPhen-2: "Probably Damaging"; Align-GVGD: "Class C0"). ClinVar contains an entry for this variant (Variation ID: 450012). This variant has not been reported in the literature in individuals affected with EMP2-related conditions. This sequence change replaces isoleucine, which is neutral and non-polar, with methionine, which is neutral and non-polar, at codon 69 of the EMP2 protein (p.Ile69Met).

GeneDx
Classification: Uncertain significance. Last evaluated: 2017-06-23. Review status: criteria provided, single submitter. Criteria: GeneDx Variant Classification (06012015). Collection method: clinical testing. Allele origin: germline. Affected: yes.
Comment: The I69M variant in the EMP2 gene has not been reported previously as a pathogenic variant, nor as a benign variant, to our knowledge. The I69M variant is not observed in large population cohorts (Lek et al., 2016; 1000 Genomes Consortium et al., 2015; Exome Variant Server). The I69M variant is a conservative amino acid substitution, which is not likely to impact secondary protein structure as these residues share similar properties. This substitution occurs at a position where amino acids with similar properties to Isoleucine are tolerated across species. In silico analysis predicts this variant is probably damaging to the protein structure/function. We interpret I69M as a variant of uncertain significance.